The following is an entry in ClinVar:

ClinVar aggregate classification (germline): Uncertain significance (1 of 4 stars; one submission).

Submission:

GeneDx
Classification: Uncertain significance. Last evaluated: 2017-05-30. Review status: criteria provided, single submitter. Criteria: GeneDx Variant Classification (06012015). Collection method: clinical testing. Allele origin: germline. Affected: yes.
Comment: The N184T variant has notbeen published as pathogenic or been reported as benign to our knowledge. Furthermore, it is not observed in largepopulation cohorts (Lek et al., 2016; 1000 Genomes Consortium et al., 2015; Exome Variant Server). The N184Tvariant occurs at a position that is conserved across species. Additionally, in silico analysis predicts this variant isprobably damaging to the protein structure/function. Nonetheless, this variant is a conservative amino acidsubstitution, which is not likely to impact secondary protein structure as these residues share similar properties.

NM_000722.4(CACNA2D1):c.551A>C (p.Asn184Thr)

Gene: CACNA2D1 (calcium voltage-gated channel auxiliary subunit alpha2delta 1; minus strand). Cytogenetic location: 7q21.11.
Variant type: single nucleotide variant.
Coding change: c.551A>C on transcript NM_000722.4 (MANE Select); coding-DNA position 551, A replaced by C.
Protein change: p.Asn184Thr; replaces asparagine 184 with threonine.
Molecular consequence: missense variant.
Genome position (GRCh38, 1-based): chr7:82,084,876, T>G on the plus strand (A>C on the coding strand, the complement: CACNA2D1 is on the minus strand). VCF-style: chr7-82084876-T-G. GRCh37 (hg19) VCF-style: chr7-81714192-T-G.
Other names: c.551A>C (LRG_437t1); c.551A>C, p.Asn184Thr (NM_001302890.2, NM_001366867.1); short protein forms N184T.
Identifiers: ClinVar variation 432385 (VCV000432385.2), dbSNP rs1434289035, ClinGen allele CA368016875.